The following is an entry in ClinVar:

NM_001035.3(RYR2):c.2301G>T (p.Ser767=)

Gene: RYR2 (ryanodine receptor 2; plus strand). Cytogenetic location: 1q43.
Variant type: single nucleotide variant.
Coding change: c.2301G>T on transcript NM_001035.3 (MANE Select); coding-DNA position 2301, G replaced by T.
Protein change: p.Ser767=; no amino-acid change (serine 767 retained).
Molecular consequence: synonymous variant.
Genome position (GRCh38, 1-based): chr1:237,500,808, G>T. VCF-style: chr1-237500808-G-T. GRCh37 (hg19) VCF-style: chr1-237664108-G-T.
Other names: p.S767S:TCG>TCT; p.Ser767=.
Identifiers: ClinVar variation 93477 (VCV000093477.40), dbSNP rs117588730, ClinGen allele CA008746.

ClinVar aggregate classification (germline): Benign/Likely benign. Review status: criteria provided, multiple submitters, no conflicts (2 of 4 stars). 17 submissions from 16 submitters: Benign (11); Likely benign (3). 3 of the submissions do not count toward it. Last evaluated 2026-03-27.

Conditions:
Cardiovascular phenotype. Identifiers: MedGen CN230736.
Catecholaminergic polymorphic ventricular tachycardia (CVPT). Also called: Catecholamine-induced polymorphic ventricular tachycardia. Identifiers: Orphanet 3286, MedGen C5574922, MONDO:0017990.
Cardiomyopathy (CMYO). Also called: Cardiomyopathies. Identifiers: Orphanet 167848, MedGen C0878544, MONDO:0004994, HP:0001638. Inheritance: Various modes of inheritance.
Catecholaminergic polymorphic ventricular tachycardia 1. Also called: RYR2-Related Catecholaminergic Polymorphic Ventricular Tachycardia; VENTRICULAR TACHYCARDIA, CATECHOLAMINERGIC POLYMORPHIC, 1, WITH OR WITHOUT ATRIAL DYSFUNCTION AND/OR DILATED CARDIOMYOPATHY; VENTRICULAR TACHYCARDIA, STRESS-INDUCED POLYMORPHIC 1. Identifiers: Orphanet 3286, MedGen C1631597, MONDO:0011484, OMIM 604772.
Arrhythmogenic right ventricular dysplasia 2. Identifiers: MedGen C1832931.

Allele frequency attached by ClinVar (database versions not stated): 1000 Genomes Project 30x 0.00515; TOPMed 0.00225; 1000 Genomes Project 0.00619; gnomAD 0.00150.
gnomAD v4.1: 1,518 of 1,613,986 alleles (0.094%); highest among the groups gnomAD compares: East Asian, 3%; 28 homozygotes.

Submissions (17):

Molecular Diagnostic Laboratory for Inherited Cardiovascular Disease, Montreal Heart Institute
Classification: Likely benign. Last evaluated: 2026-03-27. Review status: criteria provided, single submitter. Criteria: ACMG Guidelines, 2015. Collection method: clinical testing. Allele origin: germline. Affected: no.
Comment: BS1;BP7

Labcorp Genetics (formerly Invitae), Labcorp
Classification: Benign for Catecholaminergic polymorphic ventricular tachycardia 1. Last evaluated: 2026-01-31. Review status: criteria provided, single submitter. Criteria: Invitae Variant Classification Sherloc (09022015). Collection method: clinical testing. Allele origin: germline.

All of Us Research Program, National Institutes of Health
Classification: Benign for Catecholaminergic polymorphic ventricular tachycardia. Last evaluated: 2024-02-05. Review status: criteria provided, single submitter. Criteria: ACMG Guidelines, 2015. Collection method: clinical testing. Allele origin: germline. Inheritance: Autosomal dominant inheritance. Observed: 192 variant alleles, 189 heterozygotes, 3 homozygotes.
Comment: This study involves interpretation of variants in research participants for the purpose of population health screening. Participant phenotype was not available at the time of variant classification. Additional details can be found in publication PMID: 35346344, PMCID: PMC8962531

Color Diagnostics, LLC DBA Color Health
Classification: Benign for Cardiomyopathy. Last evaluated: 2018-03-15. Review status: criteria provided, single submitter. Criteria: ACMG Guidelines, 2015. Collection method: clinical testing. Allele origin: germline.

Illumina Laboratory Services, Illumina
Classification: Benign for Catecholaminergic polymorphic ventricular tachycardia 1. Last evaluated: 2018-01-12. Review status: criteria provided, single submitter. Criteria: ICSL Variant Classification Criteria 13 December 2019. Collection method: clinical testing. Allele origin: germline.
Comment: This variant was observed in the ICSL laboratory as part of a predisposition screen in an ostensibly healthy population. It had not been previously curated by ICSL or reported in the Human Gene Mutation Database (HGMD: prior to June 1st, 2018), and was therefore a candidate for classification through an automated scoring system. Utilizing variant allele frequency, disease prevalence and penetrance estimates, and inheritance mode, an automated score was calculated to assess if this variant is too frequent to cause the disease. Based on the score and internal cut-off values, a variant classified as benign is not then subjected to further curation. The score for this variant resulted in a classification of benign for this disease.

Illumina Laboratory Services, Illumina
Classification: Likely benign for Catecholaminergic polymorphic ventricular tachycardia 1. Last evaluated: 2018-01-12. Review status: criteria provided, single submitter. Criteria: ICSL Variant Classification Criteria 13 December 2019. Collection method: clinical testing. Allele origin: germline.
Comment: This variant was observed in the ICSL laboratory as part of a predisposition screen in an ostensibly healthy population. It had not been previously curated by ICSL or reported in the Human Gene Mutation Database (HGMD: prior to June 1st, 2018), and was therefore a candidate for classification through an automated scoring system. Utilizing variant allele frequency, disease prevalence and penetrance estimates, and inheritance mode, an automated score was calculated to assess if this variant is too frequent to cause the disease. Based on the score and internal cut-off values, a variant classified as likely benign is not then subjected to further curation. The score for this variant resulted in a classification of likely benign for this disease.

Women's Health and Genetics/Laboratory Corporation of America, LabCorp
Classification: Benign. Last evaluated: 2016-11-14. Review status: criteria provided, single submitter. Criteria: LabCorp Variant Classification Summary - May 2015. Collection method: clinical testing. Allele origin: germline.
Comment: Variant summary: The RYR2 c.2301G>T (p.Ser767Ser) variant involves the alteration of a non-conserved nucleotide, resulting in a synonymous change. One in silico tool predicts a damaging outcome for this variant. 5/5 splice prediction tools predict no significant impact on normal splicing. However, these predictions have yet to be confirmed by functional studies. This variant was found in 306/120764 control chromosomes (7 homozygotes), predominantly observed in the East Asian subpopulation at a frequency of 0.0344308 (297/8626). This frequency is about 1377 times the estimated maximal expected allele frequency of a pathogenic RYR2 variant (0.000025), strong evidence that this is a benign polymorphism found primarily in the populations of East Asian origin. In addition, multiple clinical diagnostic laboratories/reputable databases classified this variant as benign. The variant of interest has not, to our knowledge, been reported in affected individuals via publications nor evaluated for functional impact by in vivo/vitro studies. Taken together, this variant is classified as benign.

Ambry Genetics
Classification: Benign for Cardiovascular phenotype. Last evaluated: 2016-06-23. Review status: criteria provided, single submitter. Criteria: Ambry Variant Classification Scheme 2023. Collection method: clinical testing. Allele origin: germline.

CHEO Genetics Diagnostic Laboratory, Children's Hospital of Eastern Ontario
Classification: Benign for Cardiomyopathy. Last evaluated: 2016-04-26. Review status: criteria provided, single submitter. Criteria: ACMG Guidelines, 2015. Collection method: clinical testing. Allele origin: germline. Study: Canadian Open Genetics Repository.

Mayo Clinic Laboratories, Mayo Clinic
Classification: Benign. Last evaluated: 2015-11-24. Review status: criteria provided, single submitter. Criteria: ACMG Guidelines, 2015. Collection method: clinical testing. Allele origin: germline. Observed: 4 variant alleles.

GeneDx
Classification: Benign. Last evaluated: 2013-10-21. Review status: criteria provided, single submitter. Criteria: GeneDx Variant Classification (06012015). Collection method: clinical testing. Allele origin: germline. Affected: yes.
Comment: This variant is considered likely benign or benign based on one or more of the following criteria: it is a conservative change, it occurs at a poorly conserved position in the protein, it is predicted to be benign by multiple in silico algorithms, and/or has population frequency not consistent with disease.

Laboratory for Molecular Medicine, Mass General Brigham Personalized Medicine
Classification: Benign. Last evaluated: 2013-10-21. Review status: criteria provided, single submitter. Criteria: LMM Criteria. Collection method: clinical testing. Allele origin: germline. Observed: 7 variant alleles.
Comment: Ser767Ser in exon 21 of RYR2: This variant is not expected to have clinical sign ificance because it does not alter an amino acid residue and is not located with in the splice consensus sequence. It has been identified in 2.6% (15/572) of Asi an chromosomes by the 1000 Genomes Project (dbSNP rs117588730). Ser767Ser in ex on 21 of RYR2 (rs117588730; allele frequency = 2.6%, 15/572)

Eurofins Ntd Llc (ga)
Classification: Benign. Last evaluated: 2013-09-25. Review status: criteria provided, single submitter. Criteria: EGL Classification Definitions 2015. Collection method: clinical testing. Allele origin: germline. Observed: 1 variant allele, 1 heterozygote.

PreventionGenetics, part of Exact Sciences
Classification: Likely benign. Review status: criteria provided, single submitter. Criteria: ACMG Guidelines, 2015. Collection method: clinical testing. Allele origin: germline.

Clinical Genetics DNA and cytogenetics Diagnostics Lab, Erasmus MC, Erasmus Medical Center
Classification: Benign. Review status: no assertion criteria provided. Collection method: clinical testing. Allele origin: germline. Affected: yes. Study: VKGL Data-share Consensus. Not counted in ClinVar's aggregate classification.

Clinical Genetics, Academic Medical Center
Classification: Benign. Review status: no assertion criteria provided. Collection method: clinical testing. Allele origin: germline. Affected: yes. Study: VKGL Data-share Consensus. Not counted in ClinVar's aggregate classification.

Joint Genome Diagnostic Labs from Nijmegen and Maastricht, Radboudumc and MUMC+
Classification: Benign. Review status: no assertion criteria provided. Collection method: clinical testing. Allele origin: germline. Affected: yes. Study: VKGL Data-share Consensus. Not counted in ClinVar's aggregate classification.